The following is an entry in ClinVar:

NM_001110556.2(FLNA):c.2725G>A (p.Val909Ile)

Gene: FLNA (filamin A; minus strand). Cytogenetic location: Xq28.
Variant type: single nucleotide variant.
Coding change: c.2725G>A on transcript NM_001110556.2 (MANE Select); coding-DNA position 2725, G replaced by A.
Protein change: p.Val909Ile; replaces valine 909 with isoleucine.
Molecular consequence: missense variant.
Genome position (GRCh38, 1-based): chrX:154,362,080, C>T on the plus strand (G>A on the coding strand, the complement: FLNA is on the minus strand). VCF-style: chrX-154362080-C-T. GRCh37 (hg19) VCF-style: chrX-153590448-C-T.
Other names: p.V909I:GTC>ATC; p.Val909Ile; c.2725G>A, p.Val909Ile (NM_001456.4); c.2725G>A (NM_001110556.1); short protein forms V909I.
Identifiers: ClinVar variation 129070 (VCV000129070.55), dbSNP rs199911951, ClinGen allele CA231114.
Genomic context (GRCh38, chrX:154,362,080, plus strand): 5'-GGTGGTCGATGATGTCCACATCTCGCACTGCATCCCCCTTGGTGAGTCCTGAGAACTGGA[C>T]GTCCAGCTTGCCTTTGCCAGCAGCTTTGGCATTTACTGTGAAGTGGGTGGGCTTGCCAAG-3'
Protein context (NP_001104026.1, residues 899-919): AKAAGKGKLD[Val909Ile]QFSGLTKGDA

ClinVar aggregate classification (germline): Conflicting classifications of pathogenicity. Review status: criteria provided, conflicting classifications (1 of 4 stars). 9 submissions from 9 submitters: Uncertain significance (1); Benign (3); Likely benign (4). 1 of the submissions does not count toward it. Last evaluated 2026-01-06.

Conditions:
Heterotopia, periventricular, X-linked dominant (PVNH1). Also called: PERIVENTRICULAR NODULAR HETEROTOPIA 1; X-linked periventricular heterotopia; PERIVENTRICULAR NODULAR HETEROTOPIA 4; HETEROTOPIA, PERIVENTRICULAR, 1. Identifiers: Orphanet 2149, Orphanet 82004, MedGen C1848213, MONDO:0010233, OMIM 300049.
Melnick-Needles syndrome (MNS). Also called: MELNICK-NEEDLES OSTEODYSPLASTY; OSTEODYSPLASTY OF MELNICK AND NEEDLES; Melnick-Needles Syndrome (FLNA-MNS). Identifiers: Orphanet 2484, MedGen C0025237, MONDO:0010650, OMIM 309350.
Frontometaphyseal dysplasia (FMD1). Identifiers: Orphanet 1826, MedGen C0265293, MONDO:0015942.
Oto-palato-digital syndrome, type II (OPD2). Also called: FACIOPALATOOSSEOUS SYNDROME; OPD II SYNDROME; Otopalatodigital Syndrome, Type II; Otopalatodigital Syndrome Type 2 (FLNA-OPD2). Identifiers: Orphanet 669, Orphanet 90652, MedGen C1844696, MONDO:0010571, OMIM 304120.
FLNA-related disorder.
Familial thoracic aortic aneurysm and aortic dissection (TAAD). Also called: Thoracic aortic aneurysms and dissections. Identifiers: Orphanet 91387, MedGen C4707243, MONDO:0019625.

Allele frequency attached by ClinVar (database versions not stated): TOPMed 0.00011; gnomAD 0.00013; ExAC 0.00014; gnomAD exomes 0.00016; ESP Exome Variant Server 0.00029.
gnomAD v4.1: 420 of 1,209,268 alleles (0.035%); highest among the groups gnomAD compares: Non-Finnish European, 0.045%; no homozygotes.

Submissions (9):

Labcorp Genetics (formerly Invitae), Labcorp
Classification: Benign for Oto-palato-digital syndrome, type II; Heterotopia, periventricular, X-linked dominant; Frontometaphyseal dysplasia; Melnick-Needles syndrome. Last evaluated: 2026-01-06. Review status: criteria provided, single submitter. Criteria: Invitae Variant Classification Sherloc (09022015). Collection method: clinical testing. Allele origin: germline.

Blueprint Genetics
Classification: Likely benign. Last evaluated: 2024-06-10. Review status: criteria provided, single submitter. Criteria: ACMG Guidelines, 2015. Collection method: clinical testing. Allele origin: germline.

CeGaT Center for Human Genetics Tuebingen
Classification: Likely benign. Last evaluated: 2023-11-01. Review status: criteria provided, single submitter. Criteria: CeGaT Center For Human Genetics Tuebingen Variant Classification Criteria Version 2. Collection method: clinical testing. Allele origin: germline. Affected: yes. Observed: 2 variant alleles.
Comment: FLNA: BS2

Mayo Clinic Laboratories, Mayo Clinic
Classification: Benign. Last evaluated: 2023-03-01. Review status: criteria provided, single submitter. Criteria: ACMG Guidelines, 2015. Collection method: clinical testing. Allele origin: germline. Observed: 3 variant alleles.
Comment: BS1, BS2

GeneDx
Classification: Likely benign. Last evaluated: 2021-06-10. Review status: criteria provided, single submitter. Criteria: GeneDx Variant Classification Process June 2021. Collection method: clinical testing. Allele origin: germline. Affected: yes.
Comment: This variant is associated with the following publications: (PMID: 25649377)

Ambry Genetics
Classification: Benign for Familial thoracic aortic aneurysm and aortic dissection. Last evaluated: 2018-09-29. Review status: criteria provided, single submitter. Criteria: Ambry Variant Classification Scheme 2023. Collection method: clinical testing. Allele origin: germline.

Eurofins Ntd Llc (ga)
Classification: Likely benign. Last evaluated: 2017-11-08. Review status: criteria provided, single submitter. Criteria: EGL Classification Definitions 2015. Collection method: clinical testing. Allele origin: germline. Observed: 1 variant allele, 1 heterozygote.

Genetic Services Laboratory, University of Chicago
Classification: Uncertain significance. Last evaluated: 2014-03-24. Review status: criteria provided, single submitter. Criteria: ACMG Guidelines, 2007. Collection method: clinical testing. Allele origin: germline. Inheritance: X-linked inheritance.

PreventionGenetics, part of Exact Sciences
Classification: Likely benign for FLNA-related condition. Last evaluated: 2020-05-04. Review status: no assertion criteria provided. Collection method: clinical testing. Allele origin: germline. Not counted in ClinVar's aggregate classification.
Comment: This variant is classified as likely benign based on ACMG/AMP sequence variant interpretation guidelines (Richards et al. 2015 PMID: 25741868, with internal and published modifications).

Literature cited by the submitters: PubMed 25649377 (cited by Ambry Genetics).